The following is an entry in ClinVar:

NM_005458.8(GABBR2):c.1870A>G (p.Thr624Ala)

Gene: GABBR2 (gamma-aminobutyric acid type B receptor subunit 2; minus strand). Cytogenetic location: 9q22.33.
Variant type: single nucleotide variant.
Coding change: c.1870A>G on transcript NM_005458.8 (MANE Select); coding-DNA position 1870, A replaced by G.
Protein change: p.Thr624Ala; replaces threonine 624 with alanine.
Molecular consequence: missense variant.
Genome position (GRCh38, 1-based): chr9:98,362,738, T>C on the plus strand (A>G on the coding strand, the complement: GABBR2 is on the minus strand). VCF-style: chr9-98362738-T-C. GRCh37 (hg19) VCF-style: chr9-101125020-T-C.
Other names: short protein forms T624A.
Identifiers: ClinVar variation 4737978 (VCV004737978.1).

ClinVar aggregate classification (germline): Uncertain significance (1 of 4 stars; one submission).

Conditions:
Epileptic encephalopathy. Identifiers: MedGen C0543888, HP:0200134.

Submission:

Labcorp Genetics (formerly Invitae), Labcorp
Classification: Uncertain significance for Epileptic encephalopathy. Last evaluated: 2025-05-07. Review status: criteria provided, single submitter. Criteria: Invitae Variant Classification Sherloc (09022015). Collection method: clinical testing. Allele origin: germline.
Comment: This sequence change replaces threonine, which is neutral and polar, with alanine, which is neutral and non-polar, at codon 624 of the GABBR2 protein (p.Thr624Ala). This variant is not present in population databases (gnomAD no frequency). This variant has not been reported in the literature in individuals affected with GABBR2-related conditions. Invitae Evidence Modeling of protein sequence and biophysical properties (such as structural, functional, and spatial information, amino acid conservation, physicochemical variation, residue mobility, and thermodynamic stability) indicates that this missense variant is not expected to disrupt GABBR2 protein function with a negative predictive value of 80%. In summary, the available evidence is currently insufficient to determine the role of this variant in disease. Therefore, it has been classified as a Variant of Uncertain Significance.